The following is an entry in ClinVar:

NM_017617.5(NOTCH1):c.774C>T (p.Ile258=)

Gene: NOTCH1 (notch receptor 1; minus strand). Cytogenetic location: 9q34.3.
Variant type: single nucleotide variant.
Coding change: c.774C>T on transcript NM_017617.5 (MANE Select); coding-DNA position 774, C replaced by T.
Protein change: p.Ile258=; no amino-acid change (isoleucine 258 retained).
Molecular consequence: synonymous variant.
Genome position (GRCh38, 1-based): chr9:136,519,534, G>A on the plus strand (C>T on the coding strand, the complement: NOTCH1 is on the minus strand). VCF-style: chr9-136519534-G-A. GRCh37 (hg19) VCF-style: chr9-139413986-G-A.
Other names: c.774C>T (NM_017617.4, NM_017617.3).
Identifiers: ClinVar variation 1574123 (VCV001574123.11), dbSNP rs764542894, ClinGen allele CA5342043.

ClinVar aggregate classification (germline): Likely benign. Review status: criteria provided, multiple submitters, no conflicts (2 of 4 stars). 3 submissions from 3 submitters: Likely benign (2). 1 of the submissions does not count toward it. Last evaluated 2024-04-18.

Conditions:
Familial thoracic aortic aneurysm and aortic dissection (TAAD). Also called: Thoracic aortic aneurysms and dissections. Identifiers: Orphanet 91387, MedGen C4707243, MONDO:0019625.
NOTCH1-related disorder. Also called: NOTCH1-related disorders; NOTCH1-related condition.
Adams-Oliver syndrome 5 (AOS5). Identifiers: Orphanet 974, MedGen C4014970, MONDO:0014459, OMIM 616028.

Allele frequency attached by ClinVar (database versions not stated): TOPMed below 0.00001.

Submissions (3):

Ambry Genetics
Classification: Likely benign for Familial thoracic aortic aneurysm and aortic dissection. Last evaluated: 2024-04-18. Review status: criteria provided, single submitter. Criteria: Ambry Variant Classification Scheme 2023. Collection method: clinical testing. Allele origin: germline.

Labcorp Genetics (formerly Invitae), Labcorp
Classification: Likely benign for Adams-Oliver syndrome 5. Last evaluated: 2021-12-02. Review status: criteria provided, single submitter. Criteria: Invitae Variant Classification Sherloc (09022015). Collection method: clinical testing. Allele origin: germline.

PreventionGenetics, part of Exact Sciences
Classification: Likely benign for NOTCH1-related condition. Last evaluated: 2019-02-28. Review status: no assertion criteria provided. Collection method: clinical testing. Allele origin: germline. Not counted in ClinVar's aggregate classification.
Comment: This variant is classified as likely benign based on ACMG/AMP sequence variant interpretation guidelines (Richards et al. 2015 PMID: 25741868, with internal and published modifications).